The following is an entry in ClinVar:

ClinVar aggregate classification (germline): Conflicting classifications of pathogenicity. Review status: criteria provided, conflicting classifications (1 of 4 stars). 2 submissions from 2 submitters: Uncertain significance (1); Likely benign (1). Last evaluated 2025-04-13.

Conditions:
Familial thoracic aortic aneurysm and aortic dissection (TAAD). Also called: Thoracic aortic aneurysms and dissections. Identifiers: Orphanet 91387, MedGen C4707243, MONDO:0019625.
Hereditary cancer-predisposing syndrome. Also called: Hereditary Cancer Syndrome; Tumor predisposition; Hereditary neoplastic syndrome; Neoplastic Syndromes, Hereditary. Identifiers: Orphanet 140162, MedGen C0027672, MeSH D009386, MONDO:0015356.
Juvenile polyposis syndrome (JPS). Identifiers: Orphanet 2929, MedGen C0345893, MONDO:0017380, OMIM 174900.

Submissions (2):

Ambry Genetics
Classification: Likely benign for Hereditary cancer-predisposing syndrome; Familial thoracic aortic aneurysm and aortic dissection. Last evaluated: 2025-04-13. Review status: criteria provided, single submitter. Criteria: Ambry Variant Classification Scheme 2023. Collection method: clinical testing. Allele origin: germline.

Labcorp Genetics (formerly Invitae), Labcorp
Classification: Uncertain significance for Juvenile polyposis syndrome. Last evaluated: 2024-08-31. Review status: criteria provided, single submitter. Criteria: Invitae Variant Classification Sherloc (09022015). Collection method: clinical testing. Allele origin: germline.
Comment: This sequence change affects codon 141 of the SMAD4 mRNA. It is a 'silent' change, meaning that it does not change the encoded amino acid sequence of the SMAD4 protein. It affects a nucleotide within the consensus splice site. This variant is not present in population databases (gnomAD no frequency). This variant has not been reported in the literature in individuals affected with SMAD4-related conditions. Algorithms developed to predict the effect of sequence changes on RNA splicing suggest that this variant is not likely to affect RNA splicing. In summary, the available evidence is currently insufficient to determine the role of this variant in disease. Therefore, it has been classified as a Variant of Uncertain Significance.

NM_005359.6(SMAD4):c.423T>A (p.Ile141=)

Gene: SMAD4 (SMAD family member 4; plus strand). Cytogenetic location: 18q21.2.
Variant type: single nucleotide variant.
Coding change: c.423T>A on transcript NM_005359.6 (MANE Select); coding-DNA position 423, T replaced by A.
Protein change: p.Ile141=; no amino-acid change (isoleucine 141 retained).
Molecular consequence: synonymous variant. On other transcripts: non-coding transcript variant (2).
Genome position (GRCh38, 1-based): chr18:51,048,859, T>A. VCF-style: chr18-51048859-T-A. GRCh37 (hg19) VCF-style: chr18-48575229-T-A.
Other names: c.423T>A, p.Ile141= (NM_001407041.1, NM_001407042.1, NM_001407043.1).
Identifiers: ClinVar variation 3678578 (VCV003678578.3).